The following is an entry in ClinVar:

ClinVar aggregate classification (germline): Likely benign. Review status: criteria provided, multiple submitters, no conflicts (2 of 4 stars). 2 submissions from 2 submitters: Likely benign (2). Last evaluated 2024-11-28.

Allele frequency attached by ClinVar (database versions not stated): ExAC 0.00012; gnomAD 0.00073; 1000 Genomes Project 30x 0.00104; gnomAD exomes 0.00048; TOPMed 0.00061; 1000 Genomes Project 0.00106.

Submissions (2):

Blueprint Genetics
Classification: Likely benign. Last evaluated: 2024-11-28. Review status: criteria provided, single submitter. Criteria: ACMG Guidelines, 2015. Collection method: clinical testing. Allele origin: germline.

GeneDx
Classification: Likely benign. Last evaluated: 2017-02-03. Review status: criteria provided, single submitter. Criteria: GeneDx Variant Classification (06012015). Collection method: clinical testing. Allele origin: germline. Affected: yes.
Comment: This variant is considered likely benign or benign based on one or more of the following criteria: it is a conservative change, it occurs at a poorly conserved position in the protein, it is predicted to be benign by multiple in silico algorithms, and/or has population frequency not consistent with disease.

NM_001042498.2(SLC35A2):c.-19G>A

Gene: SLC35A2 (solute carrier family 35 member A2; minus strand). Cytogenetic location: Xp11.23.
Variant type: single nucleotide variant.
Coding change: c.-19G>A on transcript NM_001042498.2; 19 bases upstream of the start codon, G replaced by A.
Molecular consequence: intron variant (on NM_001282648.2).
Genome position (GRCh38, 1-based): chrX:48,911,655, C>T on the plus strand (G>A on the coding strand, the complement: SLC35A2 is on the minus strand). VCF-style: chrX-48911655-C-T. GRCh37 (hg19) VCF-style: chrX-48768932-C-T.
Other names: c.19+204G>A (NM_001282648.2).
Identifiers: ClinVar variation 507148 (VCV000507148.4), dbSNP rs142045906, ClinGen allele CA10406225.